The following is an entry in ClinVar:

NM_001184.4(ATR):c.854C>T (p.Thr285Ile)

Gene: ATR (ATR checkpoint kinase; minus strand). Cytogenetic location: 3q23.
Variant type: single nucleotide variant.
Coding change: c.854C>T on transcript NM_001184.4 (MANE Select); coding-DNA position 854, C replaced by T.
Protein change: p.Thr285Ile; replaces threonine 285 with isoleucine.
Molecular consequence: missense variant.
Genome position (GRCh38, 1-based): chr3:142,562,548, G>A on the plus strand (C>T on the coding strand, the complement: ATR is on the minus strand). VCF-style: chr3-142562548-G-A. GRCh37 (hg19) VCF-style: chr3-142281390-G-A.
Other names: c.854C>T (NM_001184.3); c.854C>T, p.Thr285Ile (NM_001354579.2); short protein forms T285I.
Identifiers: ClinVar variation 2072353 (VCV002072353.5), dbSNP rs2108487522, ClinGen allele CA354825216.

ClinVar aggregate classification (germline): Uncertain significance. Review status: criteria provided, multiple submitters, no conflicts (2 of 4 stars). 2 submissions from 2 submitters: Uncertain significance (2). Last evaluated 2024-03-29.

Conditions:
Inborn genetic diseases. Identifiers: MedGen C0950123, MeSH D030342.

Submissions (2):

Ambry Genetics
Classification: Uncertain significance for Inborn genetic diseases. Last evaluated: 2024-03-29. Review status: criteria provided, single submitter. Criteria: Ambry Variant Classification Scheme 2023. Collection method: clinical testing. Allele origin: germline.
Comment: The p.T285I variant (also known as c.854C>T), located in coding exon 4 of the ATR gene, results from a C to T substitution at nucleotide position 854. The threonine at codon 285 is replaced by isoleucine, an amino acid with similar properties. This amino acid position is conserved. In addition, this alteration is predicted to be tolerated by in silico analysis. Based on the available evidence, the clinical significance of this alteration remains unclear.

Labcorp Genetics (formerly Invitae), Labcorp
Classification: Uncertain significance. Last evaluated: 2021-12-20. Review status: criteria provided, single submitter. Criteria: Invitae Variant Classification Sherloc (09022015). Collection method: clinical testing. Allele origin: germline.
Comment: This sequence change replaces threonine, which is neutral and polar, with isoleucine, which is neutral and non-polar, at codon 285 of the ATR protein (p.Thr285Ile). This variant is not present in population databases (gnomAD no frequency). This variant has not been reported in the literature in individuals affected with ATR-related conditions. Algorithms developed to predict the effect of missense changes on protein structure and function (SIFT, PolyPhen-2, Align-GVGD) all suggest that this variant is likely to be tolerated. In summary, the available evidence is currently insufficient to determine the role of this variant in disease. Therefore, it has been classified as a Variant of Uncertain Significance.